The following is an entry in ClinVar:

ClinVar aggregate classification (germline): Uncertain significance (1 of 4 stars; one submission).

Conditions:
Dyskeratosis congenita, autosomal dominant 1 (DKCA1). Also called: Dyskeratosis congenita Scoggins type. Identifiers: Orphanet 1775, MedGen C4551974, MONDO:0007485, OMIM 127550. Inheritance: Variable.

Allele frequency attached by ClinVar (database versions not stated): TOPMed below 0.00001.
gnomAD v4.1: 2 of 741,556 alleles (0.00027%); highest among the groups gnomAD compares: Non-Finnish European, 0.00025%; no homozygotes.

Submission:

Labcorp Genetics (formerly Invitae), Labcorp
Classification: Uncertain significance for Dyskeratosis congenita, autosomal dominant 1. Last evaluated: 2025-12-02. Review status: criteria provided, single submitter. Criteria: Invitae Variant Classification Sherloc (09022015). Collection method: clinical testing. Allele origin: germline.
Comment: This variant occurs in the TERC gene, which encodes an RNA molecule that does not result in a protein product. The frequency data for this variant in the population databases is considered unreliable, as metrics indicate poor data quality at this position in the gnomAD database. This variant has not been reported in the literature in individuals affected with TERC-related conditions. ClinVar contains an entry for this variant (Variation ID: 579728). This variant is located within the BoxH/ACA scaRNA domain of the TERC RNA component, which is required for telomerase activity (PMID: 21844345). In summary, the available evidence is currently insufficient to determine the role of this variant in disease. Therefore, it has been classified as a Variant of Uncertain Significance.

Literature cited by the submitters: PubMed 21844345.

NC_000003.12:g.169764842C>T

Genes: TERC (telomerase RNA component; minus strand), LOC110806306 (telomerase RNA component (TERC) promoter; plus strand). Cytogenetic location: 3q26.2.
Variant type: single nucleotide variant.
Genome position: GRCh38 VCF-style: chr3-169764842-C-T. GRCh37 (hg19) VCF-style: chr3-169482630-C-T.
Identifiers: ClinVar variation 579728 (VCV000579728.9), dbSNP rs1277657900, ClinGen allele CA436715373.